The following is an entry in ClinVar:

NM_014956.5(CEP164):c.548T>A (p.Met183Lys)

Gene: CEP164 (centrosomal protein 164; plus strand). Cytogenetic location: 11q23.3.
Variant type: single nucleotide variant.
Coding change: c.548T>A on transcript NM_014956.5 (MANE Select); coding-DNA position 548, T replaced by A.
Protein change: p.Met183Lys; replaces methionine 183 with lysine.
Molecular consequence: missense variant.
Genome position (GRCh38, 1-based): chr11:117,361,989, T>A. VCF-style: chr11-117361989-T-A. GRCh37 (hg19) VCF-style: chr11-117232705-T-A.
Other names: c.548T>A, p.Met183Lys (NM_001271933.2); short protein forms M183K.
Identifiers: ClinVar variation 573184 (VCV000573184.16), dbSNP rs144206271, ClinGen allele CA6294511.

ClinVar aggregate classification (germline): Conflicting classifications of pathogenicity. Review status: criteria provided, conflicting classifications (1 of 4 stars). 7 submissions from 7 submitters: Uncertain significance (4); Likely benign (2). 1 of the submissions does not count toward it. Last evaluated 2026-07-30.

Conditions:
Nephronophthisis 15 (NPHP15). Identifiers: Orphanet 3156, MedGen C3541853, MONDO:0013917, OMIM 614845.
Inborn genetic diseases. Identifiers: MedGen C0950123, MeSH D030342.
CEP164-related disorder. Also called: CEP164-related condition.
Retinal dystrophy. Also called: Inherited retinal dystrophy. Identifiers: Orphanet 71862, MedGen C0854723, MeSH D058499, MONDO:0019118, HP:0000556.

Allele frequency attached by ClinVar (database versions not stated): TOPMed 0.00053; gnomAD 0.00067; ESP Exome Variant Server 0.00069; 1000 Genomes Project 30x 0.00078; 1000 Genomes Project 0.00080.

Submissions (7):

PreventionGenetics, part of Exact Sciences
Classification: Likely benign for CEP164-related condition. Last evaluated: 2026-07-30. Review status: criteria provided, single submitter. Criteria: ACMG Guidelines, 2015. Collection method: clinical testing. Allele origin: germline.
Comment: This variant is classified as likely benign based on ACMG/AMP sequence variant interpretation guidelines (Richards et al. 2015 PMID: 25741868, with internal and published modifications).

Blueprint Genetics
Classification: Likely benign. Last evaluated: 2024-10-30. Review status: criteria provided, single submitter. Criteria: ACMG Guidelines, 2015. Collection method: clinical testing. Allele origin: germline.

Ambry Genetics
Classification: Uncertain significance for Inborn genetic diseases. Last evaluated: 2024-04-23. Review status: criteria provided, single submitter. Criteria: Ambry Variant Classification Scheme 2023. Collection method: clinical testing. Allele origin: germline.

Labcorp Genetics (formerly Invitae), Labcorp
Classification: Uncertain significance for Nephronophthisis 15. Last evaluated: 2022-11-01. Review status: criteria provided, single submitter. Criteria: Invitae Variant Classification Sherloc (09022015). Collection method: clinical testing. Allele origin: germline.
Comment: This sequence change replaces methionine, which is neutral and non-polar, with lysine, which is basic and polar, at codon 183 of the CEP164 protein (p.Met183Lys). This variant is present in population databases (rs144206271, gnomAD 0.1%), and has an allele count higher than expected for a pathogenic variant. This variant has not been reported in the literature in individuals affected with CEP164-related conditions. ClinVar contains an entry for this variant (Variation ID: 573184). Algorithms developed to predict the effect of missense changes on protein structure and function (SIFT, PolyPhen-2, Align-GVGD) all suggest that this variant is likely to be tolerated. In summary, the available evidence is currently insufficient to determine the role of this variant in disease. Therefore, it has been classified as a Variant of Uncertain Significance.

Fulgent Genetics
Classification: Uncertain significance for Nephronophthisis 15. Last evaluated: 2022-02-03. Review status: criteria provided, single submitter. Criteria: ACMG Guidelines, 2015. Collection method: clinical testing. Allele origin: unknown.

Breakthrough Genomics
Classification: Uncertain significance. Review status: criteria provided, single submitter. Criteria: ACMG Guidelines, 2015. Collection method: not provided. Allele origin: germline. Inheritance: Autosomal recessive inheritance. Affected: yes.

Institute of Human Genetics, Univ. Regensburg, Univ. Regensburg
Classification: Uncertain significance for Retinal dystrophy. Last evaluated: 2022-01-01. Review status: no assertion criteria provided. Criteria: ACMG Guidelines, 2015. Collection method: clinical testing. Allele origin: germline. Affected: yes. Not counted in ClinVar's aggregate classification.